The following is an entry in ClinVar:

ClinVar aggregate classification (germline): Likely benign. Review status: reviewed by expert panel (3 of 4 stars). 9 submissions from 9 submitters: Likely benign (1). 8 of the submissions do not count toward it. Last evaluated 2022-05-18.

Conditions:
Pleuropulmonary blastoma (PPB). Identifiers: Orphanet 64742, MedGen C1266144, MONDO:0011014, OMIM 601200, HP:0100528.
Euthyroid goiter (MNG1). Also called: Goiter, multinodular 1, with or without Sertoli-Leydig cell tumors; SIMPLE GOITER; GOITER, NONTOXIC, WITH INTRATHYROIDAL CALCIFICATION; MULTINODULAR GOITER, ADOLESCENT. Identifiers: Orphanet 276399, MedGen C0302859, MONDO:0007681, OMIM 138800, HP:0009798.
Rhabdomyosarcoma, embryonal, 2 (RMSE2). Identifiers: MedGen C1867234, MONDO:0859046, OMIM 180295.
Global developmental delay - lung cysts - overgrowth - Wilms tumor syndrome. Also called: GLOBAL DEVELOPMENTAL DELAY, LUNG CYSTS, OVERGROWTH, AND WILMS TUMOR; GLOW Syndrome. Identifiers: Orphanet 404476, MedGen C4748924, MONDO:0018445, OMIM 618272.
DICER1-related tumor predisposition. Also called: DICER1-related pleuropulmonary blastoma cancer predisposition syndrome; DICER1 syndrome. Identifiers: Orphanet 284343, MedGen C3839822, MONDO:0100216.

Allele frequency attached by ClinVar (database versions not stated): ESP Exome Variant Server 0.00023; gnomAD 0.00040 and 0.00042; TOPMed 0.00041; ExAC 0.00046.
gnomAD v4.1: 535 of 1,613,190 alleles (0.033%); highest among the groups gnomAD compares: Middle Eastern, 0.18%; 5 homozygotes.

Submissions (9):

ClinGen DICER1 and miRNA-Processing Gene Variant Curation Expert Panel, ClinGen
Classification: Likely benign for DICER1-related tumor predisposition. Last evaluated: 2022-05-18. Review status: reviewed by expert panel. Criteria: ClinGen DICER1 ACMG Specifications DICER1 v1. Collection method: curation. Allele origin: germline. Inheritance: Autosomal dominant inheritance.
Comment: The NM_177438.2:c.3269+14G>A is an intronic variant resulting from a G to A substitution 14 nucleotides upstream from coding exon 20. It is not predicted by MaxEntScan or SpliceAI to impact splicing (BP4, BP7). This variant has been seen in 40 or more unrelated females without tumors through age 50 in at least one testing laboratory (BS2; Internal lab contributors: GTR: 61756). Notably, the minor allele frequency in the Ashkenazi Jewish population is very high at 0.0126, though this was not counted toward BA1 since it is not a continental population. The highest population minor allele frequency in a continental population in gnomAD v2.1.1 is 0.00015 in non-Finnish European population. (PM2_Supporting, BS1, and BA1 are not met). In summary, this variant meets the criteria to be classified as likely benign for DICER1 syndrome based on the ACMG/AMP criteria applied, as specified by the ClinGen DICER1 VCEP: BS2, BP4, BP7. (Bayesian Points: -6; VCEP specifications version 1; 02/11/2022).

Labcorp Genetics (formerly Invitae), Labcorp
Classification: Benign for DICER1-related tumor predisposition. Last evaluated: 2026-02-03. Review status: criteria provided, single submitter. Criteria: Invitae Variant Classification Sherloc (09022015). Collection method: clinical testing. Allele origin: germline. Not counted in ClinVar's aggregate classification.

Center for Genomic Medicine, Rigshospitalet, Copenhagen University Hospital
Classification: Likely benign. Last evaluated: 2025-03-04. Review status: criteria provided, single submitter. Criteria: ACMG Guidelines, 2015. Collection method: clinical testing. Allele origin: germline. Not counted in ClinVar's aggregate classification.

Department of Pathology and Laboratory Medicine, Sinai Health System
Classification: Benign for Euthyroid goiter; Rhabdomyosarcoma, embryonal, 2; Pleuropulmonary blastoma; Global developmental delay - lung cysts - overgrowth - Wilms tumor syndrome. Last evaluated: 2025-02-06. Review status: criteria provided, single submitter. Criteria: ACMG Guidelines, 2015. Collection method: clinical testing. Allele origin: germline. Not counted in ClinVar's aggregate classification.

Blueprint Genetics
Classification: Likely benign. Last evaluated: 2024-11-25. Review status: criteria provided, single submitter. Criteria: ACMG Guidelines, 2015. Collection method: clinical testing. Allele origin: germline. Not counted in ClinVar's aggregate classification.

KCCC/NGS Laboratory, Kuwait Cancer Control Center
Classification: Likely benign for Pleuropulmonary blastoma. Last evaluated: 2023-07-07. Review status: criteria provided, single submitter. Criteria: ACMG Guidelines, 2015. Collection method: clinical testing. Allele origin: germline. Affected: yes. Not counted in ClinVar's aggregate classification.

Illumina Laboratory Services, Illumina
Classification: Benign for Pleuropulmonary blastoma. Last evaluated: 2018-01-12. Review status: criteria provided, single submitter. Criteria: ICSL Variant Classification Criteria 13 December 2019. Collection method: clinical testing. Allele origin: germline. Not counted in ClinVar's aggregate classification.
Comment: This variant was observed in the ICSL laboratory as part of a predisposition screen in an ostensibly healthy population. It had not been previously curated by ICSL or reported in the Human Gene Mutation Database (HGMD: prior to June 1st, 2018), and was therefore a candidate for classification through an automated scoring system. Utilizing variant allele frequency, disease prevalence and penetrance estimates, and inheritance mode, an automated score was calculated to assess if this variant is too frequent to cause the disease. Based on the score and internal cut-off values, a variant classified as benign is not then subjected to further curation. The score for this variant resulted in a classification of benign for this disease.

GeneDx
Classification: Likely benign. Last evaluated: 2017-08-04. Review status: criteria provided, single submitter. Criteria: GeneDx Variant Classification (06012015). Collection method: clinical testing. Allele origin: germline. Affected: yes. Not counted in ClinVar's aggregate classification.
Comment: This variant is considered likely benign or benign based on one or more of the following criteria: it is a conservative change, it occurs at a poorly conserved position in the protein, it is predicted to be benign by multiple in silico algorithms, and/or has population frequency not consistent with disease.

Breakthrough Genomics
Classification: Likely benign. Review status: criteria provided, single submitter. Criteria: ACMG Guidelines, 2015. Collection method: not provided. Allele origin: germline. Inheritance: Autosomal dominant inheritance. Affected: yes. Not counted in ClinVar's aggregate classification.

NM_177438.3(DICER1):c.3269+14G>A

Gene: DICER1 (dicer 1, ribonuclease III; minus strand). Cytogenetic location: 14q32.13.
Variant type: single nucleotide variant.
Coding change: c.3269+14G>A on transcript NM_177438.3 (MANE Select); 14 bases into the intron after coding-DNA position 3269, G replaced by A.
Molecular consequence: intron variant.
Genome position (GRCh38, 1-based): chr14:95,105,057, C>T on the plus strand (G>A on the coding strand, the complement: DICER1 is on the minus strand). VCF-style: chr14-95105057-C-T. GRCh37 (hg19) VCF-style: chr14-95571394-C-T.
Other names: NM_177438.2(DICER1):c.3269+14G>A; c.3269+14G>A (NM_001291628.2, NM_030621.4, NM_001271282.3 and 1 more transcripts).
Identifiers: ClinVar variation 315107 (VCV000315107.21), dbSNP rs201906274, ClinGen allele CA7331072.